The following is an entry in ClinVar:

ClinVar aggregate classification (germline): Likely benign. Review status: criteria provided, multiple submitters, no conflicts (2 of 4 stars). 3 submissions from 3 submitters: Likely benign (2). 1 of the submissions does not count toward it. Last evaluated 2025-11-08.

Conditions:
UNC13D-related disorder. Also called: UNC13D-related condition.
Familial hemophagocytic lymphohistiocytosis 3 (FHL3). Also called: UNC13D-Related Familial Hemophagocytic Lymphohistiocytosis (UNC13D-fHLH). Identifiers: Orphanet 540, MedGen C1837174, MONDO:0012146, OMIM 608898.

Allele frequency attached by ClinVar (database versions not stated): TOPMed 0.00002; ExAC 0.00003; gnomAD 0.00003; gnomAD exomes 0.00003 and 0.00010.
gnomAD v4.1: 146 of 1,612,966 alleles (0.0091%); highest among the groups gnomAD compares: Non-Finnish European, 0.012%; 1 homozygote.

Submissions (3):

Labcorp Genetics (formerly Invitae), Labcorp
Classification: Likely benign for Familial hemophagocytic lymphohistiocytosis 3. Last evaluated: 2025-11-08. Review status: criteria provided, single submitter. Criteria: Invitae Variant Classification Sherloc (09022015). Collection method: clinical testing. Allele origin: germline.

Blueprint Genetics
Classification: Likely benign. Last evaluated: 2024-11-22. Review status: criteria provided, single submitter. Criteria: ACMG Guidelines, 2015. Collection method: clinical testing. Allele origin: germline.

PreventionGenetics, part of Exact Sciences
Classification: Likely benign for UNC13D-related condition. Last evaluated: 2019-04-03. Review status: no assertion criteria provided. Collection method: clinical testing. Allele origin: germline. Not counted in ClinVar's aggregate classification.
Comment: This variant is classified as likely benign based on ACMG/AMP sequence variant interpretation guidelines (Richards et al. 2015 PMID: 25741868, with internal and published modifications).

NM_199242.3(UNC13D):c.1447-8C>G

Gene: UNC13D (unc-13 homolog D; minus strand). Cytogenetic location: 17q25.1.
Variant type: single nucleotide variant.
Coding change: c.1447-8C>G on transcript NM_199242.3 (MANE Select); 8 bases into the intron before coding-DNA position 1447, C replaced by G.
Molecular consequence: intron variant.
Genome position (GRCh38, 1-based): chr17:75,836,117, G>C on the plus strand (C>G on the coding strand, the complement: UNC13D is on the minus strand). VCF-style: chr17-75836117-G-C. GRCh37 (hg19) VCF-style: chr17-73832198-G-C.
Other names: c.1447-8C>G (NM_199242.2).
Identifiers: ClinVar variation 1613423 (VCV001613423.11), dbSNP rs760322200, ClinGen allele CA8772963.